The following is an entry in ClinVar:

ClinVar aggregate classification (germline): Pathogenic. Review status: criteria provided, multiple submitters, no conflicts (2 of 4 stars). 9 submissions from 9 submitters: Pathogenic (7). 2 of the submissions do not count toward it. Last evaluated 2025-03-30.

Conditions:
Phenylketonuria (PKU). Also called: Phenylketonuria (PKU); FOLLING DISEASE; OLIGOPHRENIA PHENYLPYRUVICA; Phenylketonurias. Identifiers: Orphanet 716, MedGen C0031485, MONDO:0009861, OMIM 261600. Disease mechanism: loss of function.

gnomAD v4.1: 1 of 1,614,034 alleles (0.000062%); highest among the groups gnomAD compares: East Asian, 0.0022%; no homozygotes.

Submissions (9):

GeneDx
Classification: Pathogenic. Last evaluated: 2025-03-30. Review status: criteria provided, single submitter. Criteria: GeneDx Variant Classification Process June 2021. Collection method: clinical testing. Allele origin: germline. Affected: yes.
Comment: Published functional studies demonstrated decreased protein activity in p.(G247V) expressing cells compared to wild-type cells (PMID: 21953985); Not observed at significant frequency in large population cohorts (gnomAD); In silico analysis supports that this missense variant has a deleterious effect on protein structure/function; This variant is associated with the following publications: (PMID: 30747360, 29499199, 29909188, 30275481, 32668217, 35193651, 33161754, 36845377, 36246604, 38105685, 30459323, 7844887, 8682503, 9575658, 9949232, 19147918, 10693064, 24661517, 23932990, 35665479, 31737040, 30612563, 33564846, 23271928, 36104584, 35869558, 24705691, 37098607, 33274544, 39670100, 21307867, 16256386, 26600521, 31636599, 30050108, 1639423, 21811977, 17924342, 26503515, 21953985)

Natera, Inc.
Classification: Pathogenic for Phenylketonuria. Last evaluated: 2024-12-17. Review status: criteria provided, single submitter. Criteria: Natera Variant Classification Schema (03/2026). Collection method: clinical testing. Allele origin: germline.
Comment: The c.740G>T variant in PAH is a missense variant predicted to cause substitution of glycine to valine at amino acid 247. This variant is rare in the general population with a frequency below the threshold expected for the associated phenotype(s). This variant has been observed in one or more individuals affected with the associated recessive disease, as either homozygous or compound heterozygous with a second variant (PMID: 30050108). Given the available evidence, this variant is classified as Pathogenic.

Labcorp Genetics (formerly Invitae), Labcorp
Classification: Pathogenic for Phenylketonuria. Last evaluated: 2023-09-15. Review status: criteria provided, single submitter. Criteria: Invitae Variant Classification Sherloc (09022015). Collection method: clinical testing. Allele origin: germline.
Comment: For these reasons, this variant has been classified as Pathogenic. This sequence change replaces glycine, which is neutral and non-polar, with valine, which is neutral and non-polar, at codon 247 of the PAH protein (p.Gly247Val). This variant is not present in population databases (gnomAD no frequency). This missense change has been observed in individual(s) with phenylketonuria (PMID: 26600521). In at least one individual the data is consistent with being in trans (on the opposite chromosome) from a pathogenic variant. ClinVar contains an entry for this variant (Variation ID: 102818). Advanced modeling of protein sequence and biophysical properties (such as structural, functional, and spatial information, amino acid conservation, physicochemical variation, residue mobility, and thermodynamic stability) performed at Invitae indicates that this missense variant is expected to disrupt PAH protein function. Experimental studies have shown that this missense change affects PAH function (PMID: 17924342, 21953985).

Baylor Genetics
Classification: Pathogenic for Phenylketonuria. Last evaluated: 2023-08-29. Review status: criteria provided, single submitter. Criteria: ACMG Guidelines, 2015. Collection method: clinical testing. Allele origin: unknown.

Women's Health and Genetics/Laboratory Corporation of America, LabCorp
Classification: Pathogenic for Phenylketonuria. Last evaluated: 2020-01-10. Review status: criteria provided, single submitter. Criteria: LabCorp Variant Classification Summary - May 2015. Collection method: clinical testing. Allele origin: germline.
Comment: Variant summary: PAH c.740G>T (p.Gly247Val) results in a non-conservative amino acid change located in the Aromatic amino acid hydroxylase, C-terminal (IPR019774) of the encoded protein sequence. Five of five in-silico tools predict a damaging effect of the variant on protein function. The variant was absent in 251220 control chromosomes. c.740G>T has been frequently reported in the literature in multiple individuals affected with Phenylalanine Hydroxylase Deficiency (Phenylketonuria) (example, Li_2018). These data indicate that the variant is very likely to be associated with disease. At least one publication reports experimental evidence evaluating an impact on protein function. The most pronounced variant effect results in <10% of normal activity reporting a functionally hemizygous genotype in combination with null mutations (Li_2018). Two clinical diagnostic laboratories have submitted clinical-significance assessments for this variant to ClinVar after 2014 without evidence for independent evaluation. All laboratories classified the variant as pathogenic. Based on the evidence outlined above, the variant was classified as pathogenic.

Eurofins Ntd Llc (ga)
Classification: Pathogenic. Last evaluated: 2017-11-13. Review status: criteria provided, single submitter. Criteria: EGL Classification Definitions 2015. Collection method: clinical testing. Allele origin: germline. Observed: 1 variant allele, 1 heterozygote.

Juno Genomics, Hangzhou Juno Genomics, Inc
Classification: Pathogenic for Phenylketonuria. Review status: criteria provided, single submitter. Criteria: ACMG Guidelines, 2015. Collection method: clinical testing. Allele origin: germline. Affected: yes.
Comment: Absent from controls (or at extremely low frequency if recessive) in Genome Aggregation Database, Exome Sequencing Project, 1000 Genomes Project, or Exome Aggregation Consortium.;Multiple lines of computational evidence support a deleterious effect on the gene or gene product (conservation, evolutionary, splicing impact, etc).;For recessive disorders, detected in trans with a pathogenic variant.

Counsyl
Classification: Likely pathogenic for Phenylketonuria. Last evaluated: 2014-10-14. Review status: no assertion criteria provided. Collection method: literature only. Allele origin: unknown. Inheritance: Autosomal recessive inheritance. Not counted in ClinVar's aggregate classification.

DeBelle Laboratory for Biochemical Genetics, MUHC/MCH RESEARCH INSTITUTE
No classification provided. Review status: no classification provided. Collection method: not provided. Allele origin: not provided. Not counted in ClinVar's aggregate classification.

Literature cited by the submitters: PubMed 30050108 (cited by Natera, Inc. and Women's Health and Genetics/Laboratory Corporation of America, LabCorp); PubMed 26600521 (cited by Labcorp Genetics (formerly Invitae), Labcorp); PubMed 17924342 (cited by Labcorp Genetics (formerly Invitae), Labcorp and Counsyl); PubMed 21953985 (cited by Labcorp Genetics (formerly Invitae), Labcorp and Eurofins Ntd Llc (ga)); PubMed 1639423 (cited by Eurofins Ntd Llc (ga) and Counsyl); PubMed 19147918 (cited by Eurofins Ntd Llc (ga) and Counsyl); PubMed 21307867 (cited by Counsyl); PubMed 16256386 (cited by Counsyl); PubMed 10693064 (cited by Counsyl); PubMed 23932990 (cited by Counsyl); PubMed 21811977 (cited by Counsyl); PubMed 8682503 (cited by Counsyl); PubMed 9949232 (cited by Counsyl); PubMed 7844887 (cited by Counsyl); PubMed 9575658 (cited by Counsyl); PubMed 24661517 (cited by Counsyl).

NM_000277.3(PAH):c.740G>T (p.Gly247Val)

Gene: PAH (phenylalanine hydroxylase; minus strand). Cytogenetic location: 12q23.2.
Variant type: single nucleotide variant.
Coding change: c.740G>T on transcript NM_000277.3 (MANE Select); coding-DNA position 740, G replaced by T.
Protein change: p.Gly247Val; replaces glycine 247 with valine.
Molecular consequence: missense variant.
Genome position (GRCh38, 1-based): chr12:102,852,917, C>A on the plus strand (G>T on the coding strand, the complement: PAH is on the minus strand). VCF-style: chr12-102852917-C-A. GRCh37 (hg19) VCF-style: chr12-103246695-C-A.
Other names: c.740G>T, p.Gly247Val (NM_001354304.2); c.740G>T (NM_000277.2); short protein forms G247V.
Identifiers: ClinVar variation 102818 (VCV000102818.21), dbSNP rs199475579, ClinGen allele CA229736.